The following is an entry in ClinVar:

ClinVar aggregate classification (germline): Uncertain significance (1 of 4 stars; one submission).

Conditions:
Beta-D-mannosidosis (MANSB). Also called: Beta-Mannosidosis; MANNOSIDOSIS, BETA A, LYSOSOMAL; BETA-MANNOSIDASE DEFICIENCY; LYSOSOMAL BETA-MANNOSIDASE DEFICIENCY. Identifiers: Orphanet 118, MedGen C4048196, MONDO:0009562, OMIM 248510.

gnomAD v4.1: 2 of 1,614,122 alleles (0.00012%); highest among the groups gnomAD compares: Admixed American, 0.0033%; no homozygotes.

Submission:

Labcorp Genetics (formerly Invitae), Labcorp
Classification: Uncertain significance for Beta-D-mannosidosis. Last evaluated: 2023-11-27. Review status: criteria provided, single submitter. Criteria: Invitae Variant Classification Sherloc (09022015). Collection method: clinical testing. Allele origin: germline.
Comment: This sequence change replaces proline, which is neutral and non-polar, with leucine, which is neutral and non-polar, at codon 165 of the MANBA protein (p.Pro165Leu). This variant is present in population databases (no rsID available, gnomAD 0.006%). This variant has not been reported in the literature in individuals affected with MANBA-related conditions. ClinVar contains an entry for this variant (Variation ID: 1499935). An algorithm developed to predict the effect of missense changes on protein structure and function (PolyPhen-2) suggests that this variant is likely to be disruptive. In summary, the available evidence is currently insufficient to determine the role of this variant in disease. Therefore, it has been classified as a Variant of Uncertain Significance.

NM_005908.4(MANBA):c.494C>T (p.Pro165Leu)

Gene: MANBA (mannosidase beta; minus strand). Cytogenetic location: 4q24.
Variant type: single nucleotide variant.
Coding change: c.494C>T on transcript NM_005908.4 (MANE Select); coding-DNA position 494, C replaced by T.
Protein change: p.Pro165Leu; replaces proline 165 with leucine.
Molecular consequence: missense variant.
Genome position (GRCh38, 1-based): chr4:102,722,926, G>A on the plus strand (C>T on the coding strand, the complement: MANBA is on the minus strand). VCF-style: chr4-102722926-G-A. GRCh37 (hg19) VCF-style: chr4-103644083-G-A.
Other names: short protein forms P165L.
Identifiers: ClinVar variation 1499935 (VCV001499935.8), dbSNP rs941610876, ClinGen allele CA357957955.